The following is an entry in ClinVar:

ClinVar aggregate classification (germline): Likely benign (0 of 4 stars; one submission).

Conditions:
ARID1B-Related Disorder. Identifiers: MedGen CN381337.

gnomAD v4.1: 2 of 1,522,892 alleles (0.00013%); highest among the groups gnomAD compares: Non-Finnish European, 0.000088%; no homozygotes.

Submission:

PreventionGenetics, part of Exact Sciences
Classification: Likely benign for ARID1B-related condition. Last evaluated: 2024-01-02. Review status: no assertion criteria provided. Collection method: clinical testing. Allele origin: germline.
Comment: This variant is classified as likely benign based on ACMG/AMP sequence variant interpretation guidelines (Richards et al. 2015 PMID: 25741868, with internal and published modifications).

NM_001374828.1(ARID1B):c.1080C>T (p.Pro360=)

Gene: ARID1B (AT-rich interaction domain 1B; plus strand). Cytogenetic location: 6q25.3.
Variant type: single nucleotide variant.
Coding change: c.1080C>T on transcript NM_001374828.1 (MANE Select); coding-DNA position 1080, C replaced by T.
Protein change: p.Pro360=; no amino-acid change (proline 360 retained).
Molecular consequence: synonymous variant.
Genome position (GRCh38, 1-based): chr6:156,778,760, C>T. VCF-style: chr6-156778760-C-T. GRCh37 (hg19) VCF-style: chr6-157099894-C-T.
Other names: c.1080C>T, p.Pro360= (NM_001371656.1, NM_001374820.1, NM_017519.3); c.831C>T (NM_020732.3).
Identifiers: ClinVar variation 3349825 (VCV003349825.1).